The following is an entry in ClinVar:

ClinVar aggregate classification (germline): Benign/Likely benign. Review status: criteria provided, multiple submitters, no conflicts (2 of 4 stars). 9 submissions from 8 submitters: Benign (5); Likely benign (3). 1 of the submissions does not count toward it. Last evaluated 2026-07-01.

Conditions:
Hypophosphatemic rickets, autosomal recessive, 2 (ARHR2). Identifiers: Orphanet 289176, MedGen C2750078, MONDO:0013219, OMIM 613312.
Arterial calcification, generalized, of infancy, 1 (GACI1). Also called: Idiopathic Infantile Arterial Calcification. Identifiers: Orphanet 51608, MedGen C4551985, MONDO:0008817, OMIM 208000.

Allele frequency attached by ClinVar (database versions not stated): gnomAD exomes 0.00344 and 0.00139; ExAC 0.00432; TOPMed 0.01494; 1000 Genomes Project 30x 0.01780; gnomAD 0.01400 and 0.01496; 1000 Genomes Project 0.01637; ESP Exome Variant Server 0.01445.
gnomAD v4.1: 4,202 of 1,613,632 alleles (0.26%); highest among the groups gnomAD compares: African/African-American, 5%; 94 homozygotes.

Submissions (9):

CeGaT Center for Human Genetics Tuebingen
Classification: Benign. Last evaluated: 2026-07-01. Review status: criteria provided, single submitter. Criteria: CeGaT Center For Human Genetics Tuebingen Variant Classification Criteria Version 2. Collection method: clinical testing. Allele origin: germline. Affected: yes. Observed: 3 variant alleles.
Comment: ENPP1: BP4, BS1, BS2

Labcorp Genetics (formerly Invitae), Labcorp
Classification: Benign. Last evaluated: 2026-01-28. Review status: criteria provided, single submitter. Criteria: Invitae Variant Classification Sherloc (09022015). Collection method: clinical testing. Allele origin: germline.

Mayo Clinic Laboratories, Mayo Clinic
Classification: Benign. Last evaluated: 2025-03-14. Review status: criteria provided, single submitter. Criteria: ACMG Guidelines, 2015. Collection method: clinical testing. Allele origin: germline. Observed: 1 variant allele.
Comment: BS1, BS2, BS3_moderate, BP2, BP4_moderate

GeneDx
Classification: Benign. Last evaluated: 2019-04-16. Review status: criteria provided, single submitter. Criteria: GeneDx Variant Classification Process June 2021. Collection method: clinical testing. Allele origin: germline. Affected: yes.
Comment: This variant is associated with the following publications: (PMID: 27467858, 12881724, 21228398, 20981092)

Eurofins Ntd Llc (ga)
Classification: Benign. Last evaluated: 2018-06-28. Review status: criteria provided, single submitter. Criteria: EGL ClinVar v180209 classification definitions. Collection method: clinical testing. Allele origin: germline. Observed: 1 variant allele, 1 heterozygote.

Illumina Laboratory Services, Illumina
Classification: Likely benign for Arterial calcification, generalized, of infancy, 1. Last evaluated: 2017-04-27. Review status: criteria provided, single submitter. Criteria: ICSL Variant Classification Criteria 13 December 2019. Collection method: clinical testing. Allele origin: germline.
Comment: This variant was observed as part of a predisposition screen in an ostensibly healthy population. A literature search was performed for the gene, cDNA change, and amino acid change (where applicable). Publications were found based on this search. The evidence from the literature, in combination with allele frequency data from public databases where available, was sufficient to determine this variant is unlikely to cause disease. Therefore, this variant is classified as likely benign.

Illumina Laboratory Services, Illumina
Classification: Likely benign for Hypophosphatemic rickets, autosomal recessive, 2. Last evaluated: 2017-04-27. Review status: criteria provided, single submitter. Criteria: ICSL Variant Classification Criteria 13 December 2019. Collection method: clinical testing. Allele origin: germline.
Comment: This variant was observed as part of a predisposition screen in an ostensibly healthy population. A literature search was performed for the gene, cDNA change, and amino acid change (where applicable). No publications were found based on this search. Allele frequency data from public databases allowed determination this variant is unlikely to cause disease. Therefore, this variant is classified as likely benign.

Breakthrough Genomics
Classification: Likely benign. Review status: criteria provided, single submitter. Criteria: ACMG Guidelines, 2015. Collection method: not provided. Allele origin: germline. Inheritance: Autosomal recessive inheritance. Affected: yes.

GeneReviews
No classification provided. Condition: Arterial calcification, generalized, of infancy, 1. Review status: no classification provided. Collection method: literature only. Allele origin: germline. Affected: yes. Not counted in ClinVar's aggregate classification.

Literature cited by the submitters: PubMed 12881724 (cited by Mayo Clinic Laboratories, Mayo Clinic and Illumina Laboratory Services, Illumina); PubMed 20981092 (cited by Mayo Clinic Laboratories, Mayo Clinic); PubMed 21228398 (cited by Mayo Clinic Laboratories, Mayo Clinic); PubMed 27467858 (cited by Mayo Clinic Laboratories, Mayo Clinic); PubMed 35475527 (cited by Mayo Clinic Laboratories, Mayo Clinic); PubMed 19229237 (cited by Illumina Laboratory Services, Illumina); NCBI Bookshelf NBK253403 (cited by GeneReviews).

NM_006208.3(ENPP1):c.2002G>A (p.Glu668Lys)

Gene: ENPP1 (ectonucleotide pyrophosphatase/phosphodiesterase 1; plus strand). Cytogenetic location: 6q23.2.
Variant type: single nucleotide variant.
Coding change: c.2002G>A on transcript NM_006208.3 (MANE Select); coding-DNA position 2002, G replaced by A.
Protein change: p.Glu668Lys; replaces glutamic acid 668 with lysine.
Molecular consequence: missense variant.
Genome position (GRCh38, 1-based): chr6:131,879,936, G>A. VCF-style: chr6-131879936-G-A. GRCh37 (hg19) VCF-style: chr6-132201076-G-A.
Other names: short protein forms E668K.
Identifiers: ClinVar variation 161094 (VCV000161094.42), dbSNP rs115371819, ClinGen allele CA347773.
Genomic context (GRCh38, chr6:131,879,936, plus strand): 5'-CAAGAGAAGATTATTAAGCATGAAACTTTACCCTATGGAAGACCTAGAGTTCTCCAGAAG[G>A]AAAACACCATCTGTCTTCTTTCCCAGCACCAGTTTATGAGTGGATACAGCCAAGACATCT-3'
Protein context (NP_006199.2, residues 658-678): PYGRPRVLQK[Glu668Lys]NTICLLSQHQ